The following is an entry in ClinVar:

ClinVar aggregate classification (germline): Benign/Likely benign. Review status: criteria provided, multiple submitters, no conflicts (2 of 4 stars). 3 submissions from 3 submitters: Benign (1); Likely benign (1). 1 of the submissions does not count toward it. Last evaluated 2025-09-29.

Conditions:
GRM6-related disorder. Also called: GRM6-related condition.

Allele frequency attached by ClinVar (database versions not stated): gnomAD 0.00012 and 0.00021; TOPMed 0.00027; gnomAD exomes 0.00037 and 0.00058; ExAC 0.00070; 1000 Genomes Project 30x 0.00094; 1000 Genomes Project 0.00120.
gnomAD v4.1: 560 of 1,605,032 alleles (0.035%); highest among the groups gnomAD compares: East Asian, 1.1%; 5 homozygotes.

Submissions (3):

Labcorp Genetics (formerly Invitae), Labcorp
Classification: Benign. Last evaluated: 2025-09-29. Review status: criteria provided, single submitter. Criteria: Invitae Variant Classification Sherloc (09022015). Collection method: clinical testing. Allele origin: germline.

Blueprint Genetics
Classification: Likely benign. Last evaluated: 2024-08-26. Review status: criteria provided, single submitter. Criteria: ACMG Guidelines, 2015. Collection method: clinical testing. Allele origin: germline.

PreventionGenetics, part of Exact Sciences
Classification: Benign for GRM6-related condition. Last evaluated: 2020-12-16. Review status: no assertion criteria provided. Collection method: clinical testing. Allele origin: germline. Not counted in ClinVar's aggregate classification.
Comment: This variant is classified as benign based on ACMG/AMP sequence variant interpretation guidelines (Richards et al. 2015 PMID: 25741868, with internal and published modifications).

NM_000843.4(GRM6):c.1532A>G (p.His511Arg)

Genes: GRM6 (glutamate metabotropic receptor 6; minus strand), ZNF454 (zinc finger protein 454; plus strand). Cytogenetic location: 5q35.3.
Variant type: single nucleotide variant.
Coding change: c.1532A>G on transcript NM_000843.4 (MANE Select); coding-DNA position 1532, A replaced by G.
Protein change: p.His511Arg; replaces histidine 511 with arginine.
Molecular consequence: missense variant.
Genome position (GRCh38, 1-based): chr5:178,986,722, T>C on the plus strand (A>G on the coding strand, the complement: GRM6 is on the minus strand). VCF-style: chr5-178986722-T-C. GRCh37 (hg19) VCF-style: chr5-178413723-T-C.
Other names: short protein forms H511R.
Identifiers: ClinVar variation 750443 (VCV000750443.14), dbSNP rs200232436, ClinGen allele CA3594007.